The following is an entry in ClinVar:

ClinVar aggregate classification (germline): Uncertain significance. Review status: criteria provided, multiple submitters, no conflicts (2 of 4 stars). 11 submissions from 11 submitters: Uncertain significance (9). 2 of the submissions do not count toward it. Last evaluated 2026-03-10.

Conditions:
ATM-related disorder. Also called: ATM-related disorders; ATM-related condition.
Hereditary cancer-predisposing syndrome. Also called: Neoplastic Syndromes, Hereditary; Tumor predisposition; Hereditary neoplastic syndrome; Hereditary Cancer Syndrome. Identifiers: Orphanet 140162, MedGen C0027672, MeSH D009386, MONDO:0015356.
Familial cancer of breast. Also called: Hereditary breast cancer; BREAST CANCER, FAMILIAL; hereditary breast carcinoma. Identifiers: Orphanet 227535, MedGen C0346153, MONDO:0016419, OMIM 114480. Disease mechanism: loss of function.
Ataxia-telangiectasia syndrome (AT). Also called: Cerebello-oculocutaneous telangiectasia; Immunodeficiency with ataxia telangiectasia; AT, COMPLEMENTATION GROUP C; LOUIS-BAR SYNDROME; Ataxia-telangiectasia, complementation group E; ATAXIA-TELANGIECTASIA, COMPLEMENTATION GROUP A. Identifiers: Orphanet 100, MedGen C0004135, MONDO:0008840, OMIM 208900.

Allele frequency attached by ClinVar (database versions not stated): gnomAD exomes 0.00001 and 0.00002; TOPMed 0.00001; ExAC 0.00003.
gnomAD v4.1: 17 of 1,613,566 alleles (0.0011%); highest among the groups gnomAD compares: Admixed American, 0.0033%; no homozygotes.

Submissions (11):

PreventionGenetics, part of Exact Sciences
Classification: Uncertain significance for ATM-related condition. Last evaluated: 2026-03-10. Review status: criteria provided, single submitter. Criteria: ACMG Guidelines, 2015. Collection method: clinical testing. Allele origin: germline.
Comment: The ATM c.38G>A variant is predicted to result in the amino acid substitution p.Arg13His. This variant has been reported in individuals with breast cancer (Dutil et al. 2019. PubMed ID: 31780696; Table S5, Decker et al. 2017. PubMed ID: 28779002). This variant is reported in 0.0033% of alleles in individuals of South Asian descent in gnomAD. This variant is interpreted as uncertain in ClinVar (Variation ID: 188171). At this time, the clinical significance of this variant is uncertain due to the absence of conclusive functional and genetic evidence.

Labcorp Genetics (formerly Invitae), Labcorp
Classification: Uncertain significance for Ataxia-telangiectasia syndrome. Last evaluated: 2026-01-26. Review status: criteria provided, single submitter. Criteria: Invitae Variant Classification Sherloc (09022015). Collection method: clinical testing. Allele origin: germline.
Comment: This sequence change replaces arginine, which is basic and polar, with histidine, which is basic and polar, at codon 13 of the ATM protein (p.Arg13His). This variant is present in population databases (rs778201041, gnomAD 0.003%). This missense change has been observed in individual(s) with breast cancer (PMID: 31780696). ClinVar contains an entry for this variant (Variation ID: 188171). Invitae Evidence Modeling of protein sequence and biophysical properties (such as structural, functional, and spatial information, amino acid conservation, physicochemical variation, residue mobility, and thermodynamic stability) indicates that this missense variant is not expected to disrupt ATM protein function with a negative predictive value of 95%. In summary, the available evidence is currently insufficient to determine the role of this variant in disease. Therefore, it has been classified as a Variant of Uncertain Significance.

GeneDx
Classification: Uncertain significance. Last evaluated: 2025-09-25. Review status: criteria provided, single submitter. Criteria: GeneDx Variant Classification Process June 2021. Collection method: clinical testing. Allele origin: germline. Affected: yes.
Comment: Not observed at significant frequency in large population cohorts (gnomAD); In silico analysis supports that this missense variant has a deleterious effect on protein structure/function; Observed in at least three individuals with breast cancer (PMID: 28779002); Reported as a variant of uncertain significance in an individual with ataxia-telangectasia who was also heterozygous for two other variants in the ATM gene plausibly explaining the phenotype (Villagaray-Pacheco N et al. (2021) Ro J Neurol. 20 (2)); This variant is associated with the following publications: (PMID: 22895193, 29445900, 31780696, 28779002, Villagaray-Pacheco2021[Case Report])

Ambry Genetics
Classification: Uncertain significance for Hereditary cancer-predisposing syndrome. Last evaluated: 2025-09-05. Review status: criteria provided, single submitter. Criteria: Ambry Variant Classification Scheme 2023. Collection method: clinical testing. Allele origin: germline.
Comment: The p.R13H variant (also known as c.38G>A), located in coding exon 1 of the ATM gene, results from a G to A substitution at nucleotide position 38. The arginine at codon 13 is replaced by histidine, an amino acid with highly similar properties. This amino acid position is well conserved in available vertebrate species. In addition, this alteration is predicted to be tolerated by in silico analysis. Based on the available evidence, the clinical significance of this variant remains unclear.

Women's Health and Genetics/Laboratory Corporation of America, LabCorp
Classification: Uncertain significance. Last evaluated: 2025-07-31. Review status: criteria provided, single submitter. Criteria: LabCorp Variant Classification Summary - May 2015. Collection method: clinical testing. Allele origin: germline.
Comment: Variant summary: ATM c.38G>A (p.Arg13His) results in a non-conservative amino acid change in the encoded protein sequence. Algorithms developed to predict the effect of missense changes on protein structure and function are either unavailable or do not agree on the potential impact of this missense change. The variant allele was found at a frequency of 1.6e-05 in 251386 control chromosomes (gnomAD). The available data on variant occurrences in the general population are insufficient to allow any conclusion about variant significance. c.38G>A has been observed in at least one individual affected with Breast Cancer (Dutil_2019). The report does not provide unequivocal conclusions about association of the variant with Breast Cancer. To our knowledge, no experimental evidence demonstrating an impact on protein function has been reported. The following publication have been ascertained in the context of this evaluation (PMID: 31780696). ClinVar contains an entry for this variant (Variation ID: 188171). Based on the evidence outlined above, the variant was classified as uncertain significance.

Revvity Omics, Revvity
Classification: Uncertain significance for Ataxia-telangiectasia syndrome. Last evaluated: 2025-06-03. Review status: criteria provided, single submitter. Criteria: ACMG Guidelines, 2015. Collection method: clinical testing. Allele origin: germline.

Molecular Pathology, Peter Maccallum Cancer Centre
Classification: Uncertain significance for Ataxia-telangiectasia syndrome. Last evaluated: 2025-01-20. Review status: criteria provided, single submitter. Criteria: ACMG Guidelines, 2015. Collection method: clinical testing. Allele origin: germline. Inheritance: Autosomal recessive inheritance.

Baylor Genetics
Classification: Uncertain significance for Familial cancer of breast. Last evaluated: 2024-03-26. Review status: criteria provided, single submitter. Criteria: ACMG Guidelines, 2015. Collection method: clinical testing. Allele origin: unknown.

Color Diagnostics, LLC DBA Color Health
Classification: Uncertain significance for Hereditary cancer-predisposing syndrome. Last evaluated: 2024-01-04. Review status: criteria provided, single submitter. Criteria: ACMG Guidelines, 2015. Collection method: clinical testing. Allele origin: germline.
Comment: This missense variant replaces arginine with histidine at codon 13 of the ATM protein. Computational prediction suggests that this variant may not impact protein structure and function. To our knowledge, functional studies have not been reported for this variant. This variant has been reported in individuals affected with breast cancer (PMID: 28779002, 31780696). This variant has also been reported in an individual affected with ataxia-telangiectasia who was compound heterozygous for a truncation variant in the non-sense mediated decay region and a variant impacting a canonical +2 splice site, suggesting this variant may not be disease-causing (DOI: 10.37897/RJN.2021.2.11). This variant has been identified in 4/251386 chromosomes in the general population by the Genome Aggregation Database (gnomAD). The available evidence is insufficient to determine the role of this variant in disease conclusively. Therefore, this variant is classified as a Variant of Uncertain Significance.

Natera, Inc.
Classification: Uncertain significance for Ataxia-telangiectasia. Last evaluated: 2021-01-11. Review status: no assertion criteria provided. Collection method: clinical testing. Allele origin: germline. Not counted in ClinVar's aggregate classification.

Counsyl
Classification: Uncertain significance for Ataxia-telangiectasia syndrome. Last evaluated: 2017-06-27. Review status: no assertion criteria provided. Collection method: clinical testing. Allele origin: unknown. Not counted in ClinVar's aggregate classification.

Literature cited by the submitters: PubMed 31780696 (cited by 4 submitters); PubMed 28779002 (cited by Ambry Genetics and Color Diagnostics, LLC DBA Color Health).

NM_000051.4(ATM):c.38G>A (p.Arg13His)

Gene: ATM (ATM serine/threonine kinase; plus strand). Cytogenetic location: 11q22.3.
Variant type: single nucleotide variant.
Coding change: c.38G>A on transcript NM_000051.4 (MANE Select); coding-DNA position 38, G replaced by A.
Protein change: p.Arg13His; replaces arginine 13 with histidine.
Molecular consequence: missense variant.
Genome position (GRCh38, 1-based): chr11:108,227,662, G>A. VCF-style: chr11-108227662-G-A. GRCh37 (hg19) VCF-style: chr11-108098389-G-A.
Other names: c.38G>A, p.Arg13His (NM_001351834.2, NM_001351835.2, NM_001351836.2); short protein forms R13H.
Identifiers: ClinVar variation 188171 (VCV000188171.36), dbSNP rs778201041, ClinGen allele CA334221.